The following is an entry in ClinVar:

NM_001128148.3(TFRC):c.449A>G (p.Asn150Ser)

Gene: TFRC (transferrin receptor; minus strand). Cytogenetic location: 3q29.
Variant type: single nucleotide variant.
Coding change: c.449A>G on transcript NM_001128148.3 (MANE Select); coding-DNA position 449, A replaced by G.
Protein change: p.Asn150Ser; replaces asparagine 150 with serine.
Molecular consequence: missense variant. On other transcripts: 5 prime UTR variant (1).
Genome position (GRCh38, 1-based): chr3:196,072,138, T>C on the plus strand (A>G on the coding strand, the complement: TFRC is on the minus strand). VCF-style: chr3-196072138-T-C. GRCh37 (hg19) VCF-style: chr3-195799009-T-C.
Other names: c.206A>G, p.Asn69Ser (NM_001313965.2); c.-398A>G (NM_001313966.2); c.449A>G, p.Asn150Ser (NM_003234.4); short protein forms N150S, N69S.
Identifiers: ClinVar variation 2719074 (VCV002719074.3), dbSNP rs1577246622, ClinGen allele CA355576526.

ClinVar aggregate classification (germline): Uncertain significance (1 of 4 stars; one submission).

Allele frequency attached by ClinVar (database versions not stated): gnomAD exomes below 0.00001.
gnomAD v4.1: 1 of 1,613,264 alleles (0.000062%); highest among the groups gnomAD compares: Non-Finnish European, 0.000085%; no homozygotes.

Submission:

Labcorp Genetics (formerly Invitae), Labcorp
Classification: Uncertain significance. Last evaluated: 2024-11-10. Review status: criteria provided, single submitter. Criteria: Invitae Variant Classification Sherloc (09022015). Collection method: clinical testing. Allele origin: germline.
Comment: This sequence change replaces asparagine, which is neutral and polar, with serine, which is neutral and polar, at codon 150 of the TFRC protein (p.Asn150Ser). This variant is not present in population databases (gnomAD no frequency). This variant has not been reported in the literature in individuals affected with TFRC-related conditions. ClinVar contains an entry for this variant (Variation ID: 2719074). An algorithm developed to predict the effect of missense changes on protein structure and function outputs the following: PolyPhen-2: "Benign". The serine amino acid residue is found in multiple mammalian species, which suggests that this missense change does not adversely affect protein function. In summary, the available evidence is currently insufficient to determine the role of this variant in disease. Therefore, it has been classified as a Variant of Uncertain Significance.